The following is an entry in ClinVar:

NM_004260.4(RECQL4):c.2292G>T (p.Gln764His)

Gene: RECQL4 (RecQ like helicase 4; minus strand). Cytogenetic location: 8q24.3.
Variant type: single nucleotide variant.
Coding change: c.2292G>T on transcript NM_004260.4 (MANE Select); coding-DNA position 2292, G replaced by T.
Protein change: p.Gln764His; replaces glutamine 764 with histidine.
Molecular consequence: missense variant. On other transcripts: non-coding transcript variant (3), intron variant (3).
Genome position (GRCh38, 1-based): chr8:144,513,389, C>A on the plus strand (G>T on the coding strand, the complement: RECQL4 is on the minus strand). VCF-style: chr8-144513389-C-A. GRCh37 (hg19) VCF-style: chr8-145738773-C-A.
Other names: c.2160G>T, p.Gln720His (NM_001413033.1); c.1221G>T, p.Gln407His (NM_001413034.1, NM_001413035.1, NM_001413040.1 and 5 more transcripts); c.2292G>T, p.Gln764His (NM_001413036.1, NM_001413019.1); c.1089G>T, p.Gln363His (NM_001413037.1); c.2262G>T, p.Gln754His (NM_001413039.1); c.1155G>T, p.Gln385His (NM_001413041.1, NM_001413027.1, NM_001413030.1 and 1 more transcripts); c.1191G>T, p.Gln397His (NM_001413042.1); c.825G>T, p.Gln275His (NM_001413043.1); and 7 more; short protein forms Q275H, Q341H, Q363H, Q385H, Q397H, Q407H, Q647H, Q720H.
Identifiers: ClinVar variation 4797204 (VCV004797204.1).
Genomic context (GRCh38, chr8:144,513,389, plus strand): 5'-CCGCACATCTGGCCGGTCCAGCCCCATCCCAAAGGCCACCGTGGCCACCACCACCCGCAA[C>A]TGGCCCTGCATGAAGGCTCGCTGTACCCGCCGCCGTTCCCGGCTGCACATGCCCGCGTGG-3'
Protein context (NP_004251.4, residues 754-774): RRVQRAFMQG[Gln764His]LRVVVATVAF

ClinVar aggregate classification (germline): Uncertain significance (1 of 4 stars; one submission).

Conditions:
Baller-Gerold syndrome (BGS). Also called: CRANIOSYNOSTOSIS WITH RADIAL DEFECTS. Identifiers: Orphanet 1225, MedGen C0265308, MONDO:0009039, OMIM 218600.

Submission:

Labcorp Genetics (formerly Invitae), Labcorp
Classification: Uncertain significance for Baller-Gerold syndrome. Last evaluated: 2025-10-26. Review status: criteria provided, single submitter. Criteria: Invitae Variant Classification Sherloc (09022015). Collection method: clinical testing. Allele origin: germline.
Comment: This sequence change replaces glutamine, which is neutral and polar, with histidine, which is basic and polar, at codon 764 of the RECQL4 protein (p.Gln764His). This variant is not present in population databases (gnomAD no frequency). This variant has not been reported in the literature in individuals affected with RECQL4-related conditions. Invitae Evidence Modeling of protein sequence and biophysical properties (such as structural, functional, and spatial information, amino acid conservation, physicochemical variation, residue mobility, and thermodynamic stability) indicates that this missense variant is not expected to disrupt RECQL4 protein function with a negative predictive value of 80%. In summary, the available evidence is currently insufficient to determine the role of this variant in disease. Therefore, it has been classified as a Variant of Uncertain Significance.